The following is an entry in ClinVar:

NM_001290043.2(TAP2):c.158T>C (p.Leu53Pro)

Gene: TAP2 (transporter 2, ATP binding cassette subfamily B member; minus strand). Cytogenetic location: 6p21.32.
Variant type: single nucleotide variant.
Coding change: c.158T>C on transcript NM_001290043.2 (MANE Select); coding-DNA position 158, T replaced by C.
Protein change: p.Leu53Pro; replaces leucine 53 with proline.
Molecular consequence: missense variant.
Genome position (GRCh38, 1-based): chr6:32,838,076, A>G on the plus strand (T>C on the coding strand, the complement: TAP2 is on the minus strand). VCF-style: chr6-32838076-A-G. GRCh37 (hg19) VCF-style: chr6-32805853-A-G.
Other names: c.158T>C, p.Leu53Pro (NM_000544.3, NM_018833.3); short protein forms L53P.
Identifiers: ClinVar variation 953811 (VCV000953811.9), dbSNP rs1769551001, ClinGen allele CA363587184.

ClinVar aggregate classification (germline): Uncertain significance (1 of 4 stars; one submission).

Conditions:
MHC class I deficiency. Identifiers: Orphanet 34592, MedGen C6024714, MONDO:0011476.

Submission:

Labcorp Genetics (formerly Invitae), Labcorp
Classification: Uncertain significance for MHC class I deficiency 1. Last evaluated: 2023-09-22. Review status: criteria provided, single submitter. Criteria: Invitae Variant Classification Sherloc (09022015). Collection method: clinical testing. Allele origin: germline.
Comment: This variant has not been reported in the literature in individuals affected with TAP2-related conditions. ClinVar contains an entry for this variant (Variation ID: 953811). Experimental studies and prediction algorithms are not available or were not evaluated, and the functional significance of this variant is currently unknown. In summary, the available evidence is currently insufficient to determine the role of this variant in disease. Therefore, it has been classified as a Variant of Uncertain Significance. This sequence change replaces leucine, which is neutral and non-polar, with proline, which is neutral and non-polar, at codon 53 of the TAP2 protein (p.Leu53Pro). This variant is not present in population databases (gnomAD no frequency).